The following is an entry in ClinVar:

NM_006662.3(SRCAP):c.7415A>G (p.Asn2472Ser)

Gene: SRCAP (Snf2 related CREBBP activator protein; plus strand). Cytogenetic location: 16p11.2.
Variant type: single nucleotide variant.
Coding change: c.7415A>G on transcript NM_006662.3 (MANE Select); coding-DNA position 7415, A replaced by G.
Protein change: p.Asn2472Ser; replaces asparagine 2472 with serine.
Molecular consequence: missense variant.
Genome position (GRCh38, 1-based): chr16:30,737,455, A>G. VCF-style: chr16-30737455-A-G. GRCh37 (hg19) VCF-style: chr16-30748776-A-G.
Other names: short protein forms N2472S.
Identifiers: ClinVar variation 2877758 (VCV002877758.3), dbSNP rs2053171853, ClinGen allele CA395632806.

ClinVar aggregate classification (germline): Uncertain significance (1 of 4 stars; one submission).

Allele frequency attached by ClinVar (database versions not stated): gnomAD exomes below 0.00001.
gnomAD v4.1: 1 of 1,590,820 alleles (0.000063%); highest among the groups gnomAD compares: Non-Finnish European, 0.000086%; no homozygotes.

Submission:

Labcorp Genetics (formerly Invitae), Labcorp
Classification: Uncertain significance. Last evaluated: 2025-06-23. Review status: criteria provided, single submitter. Criteria: Invitae Variant Classification Sherloc (09022015). Collection method: clinical testing. Allele origin: germline.
Comment: This sequence change replaces asparagine, which is neutral and polar, with serine, which is neutral and polar, at codon 2472 of the SRCAP protein (p.Asn2472Ser). This variant is not present in population databases (gnomAD no frequency). This variant has not been reported in the literature in individuals affected with SRCAP-related conditions. ClinVar contains an entry for this variant (Variation ID: 2877758). Invitae Evidence Modeling of protein sequence and biophysical properties (such as structural, functional, and spatial information, amino acid conservation, physicochemical variation, residue mobility, and thermodynamic stability) indicates that this missense variant is not expected to disrupt SRCAP protein function with a negative predictive value of 80%. In summary, the available evidence is currently insufficient to determine the role of this variant in disease. Therefore, it has been classified as a Variant of Uncertain Significance.